The following is an entry in ClinVar:

ClinVar aggregate classification (germline): Uncertain significance (1 of 4 stars; one submission).

Allele frequency attached by ClinVar (database versions not stated): gnomAD exomes below 0.00001; gnomAD 0.00001; TOPMed 0.00003.
gnomAD v4.1: 3 of 1,611,810 alleles (0.00019%); highest among the groups gnomAD compares: African/African-American, 0.0027%; no homozygotes.

Submission:

Labcorp Genetics (formerly Invitae), Labcorp
Classification: Uncertain significance. Last evaluated: 2022-03-01. Review status: criteria provided, single submitter. Criteria: Invitae Variant Classification Sherloc (09022015). Collection method: clinical testing. Allele origin: germline.
Comment: This sequence change replaces glutamine, which is neutral and polar, with glutamic acid, which is acidic and polar, at codon 1152 of the MYO18B protein (p.Gln1152Glu). This variant is present in population databases (no rsID available, gnomAD 0.007%). In summary, the available evidence is currently insufficient to determine the role of this variant in disease. Therefore, it has been classified as a Variant of Uncertain Significance. Algorithms developed to predict the effect of missense changes on protein structure and function are either unavailable or do not agree on the potential impact of this missense change (SIFT: "Not Available"; PolyPhen-2: "Probably Damaging"; Align-GVGD: "Not Available"). This variant has not been reported in the literature in individuals affected with MYO18B-related conditions.

NM_032608.7(MYO18B):c.3454C>G (p.Gln1152Glu)

Gene: MYO18B (myosin XVIIIB; plus strand). Cytogenetic location: 22q12.1.
Variant type: single nucleotide variant.
Coding change: c.3454C>G on transcript NM_032608.7 (MANE Select); coding-DNA position 3454, C replaced by G.
Protein change: p.Gln1152Glu; replaces glutamine 1152 with glutamic acid.
Molecular consequence: missense variant.
Genome position (GRCh38, 1-based): chr22:25,846,185, C>G. VCF-style: chr22-25846185-C-G. GRCh37 (hg19) VCF-style: chr22-26242152-C-G.
Other names: c.3457C>G, p.Gln1153Glu (NM_001318245.2); short protein forms Q1152E, Q1153E.
Identifiers: ClinVar variation 2185524 (VCV002185524.4), dbSNP rs1189391131, ClinGen allele CA410999250.